The following is an entry in ClinVar:

ClinVar aggregate classification (germline): Likely benign. Review status: criteria provided, multiple submitters, no conflicts (2 of 4 stars). 2 submissions from 2 submitters: Likely benign (2). Last evaluated 2018-01-12.

Conditions:
Immunodeficiency 27A (IMD27A). Also called: IMMUNODEFICIENCY 27A, MYCOBACTERIOSIS, AUTOSOMAL RECESSIVE; IFNGR1 DEFICIENCY, AUTOSOMAL RECESSIVE. Identifiers: Orphanet 319569, Orphanet 99898, MedGen C4011949, MONDO:0008856, OMIM 209950.

Allele frequency attached by ClinVar (database versions not stated): 1000 Genomes Project 30x 0.00562; 1000 Genomes Project 0.00619; TOPMed 0.00685; gnomAD 0.00832 and 0.00833; gnomAD exomes 0.01141.
gnomAD v4.1: 17,740 of 1,600,442 alleles (1.1%); highest among the groups gnomAD compares: Non-Finnish European, 1.2%; 118 homozygotes.

Submissions (2):

Illumina Laboratory Services, Illumina
Classification: Likely benign for Immunodeficiency 27A. Last evaluated: 2018-01-12. Review status: criteria provided, single submitter. Criteria: ICSL Variant Classification Criteria 13 December 2019. Collection method: clinical testing. Allele origin: germline.
Comment: This variant was observed in the ICSL laboratory as part of a predisposition screen in an ostensibly healthy population. It had not been previously curated by ICSL or reported in the Human Gene Mutation Database (HGMD: prior to June 1st, 2018), and was therefore a candidate for classification through an automated scoring system. Utilizing variant allele frequency, disease prevalence and penetrance estimates, and inheritance mode, an automated score was calculated to assess if this variant is too frequent to cause the disease. Based on the score and internal cut-off values, a variant classified as likely benign is not then subjected to further curation. The score for this variant resulted in a classification of likely benign for this disease.

Breakthrough Genomics
Classification: Likely benign. Review status: criteria provided, single submitter. Criteria: ACMG Guidelines, 2015. Collection method: not provided. Allele origin: germline. Inheritance: Autosomal recessive inheritance. Affected: yes.

NM_000416.3(IFNGR1):c.*71G>T

Gene: IFNGR1 (interferon gamma receptor 1; minus strand). Cytogenetic location: 6q23.3.
Variant type: single nucleotide variant.
Coding change: c.*71G>T on transcript NM_000416.3 (MANE Select); 71 bases downstream of the stop codon, G replaced by T.
Molecular consequence: 3 prime UTR variant.
Genome position (GRCh38, 1-based): chr6:137,197,960, C>A on the plus strand (G>T on the coding strand, the complement: IFNGR1 is on the minus strand). VCF-style: chr6-137197960-C-A. GRCh37 (hg19) VCF-style: chr6-137519097-C-A.
Other names: c.*71G>T (NM_001363526.1, NM_001363527.1).
Identifiers: ClinVar variation 355551 (VCV000355551.6), dbSNP rs55665036, ClinGen allele CA10625889.